The following is an entry in ClinVar:

NM_000081.4(LYST):c.1990T>C (p.Ser664Pro)

Gene: LYST (lysosomal trafficking regulator; minus strand). Cytogenetic location: 1q42.3.
Variant type: single nucleotide variant.
Coding change: c.1990T>C on transcript NM_000081.4 (MANE Select); coding-DNA position 1990, T replaced by C.
Protein change: p.Ser664Pro; replaces serine 664 with proline.
Molecular consequence: missense variant.
Genome position (GRCh38, 1-based): chr1:235,808,828, A>G on the plus strand (T>C on the coding strand, the complement: LYST is on the minus strand). VCF-style: chr1-235808828-A-G. GRCh37 (hg19) VCF-style: chr1-235972128-A-G.
Other names: c.1990T>C, p.Ser664Pro (NM_001301365.1); short protein forms S664P.
Identifiers: ClinVar variation 1496067 (VCV001496067.5), dbSNP rs1673144821, ClinGen allele CA344961199.
Genomic context (GRCh38, chr1:235,808,828, plus strand): 5'-CAGATCCACTGCTGGGCAGGATCCCTTGAAATCTGTAAGAAGGACTGGATAAACTTGAGG[A>G]GAGTTCAGCATCACATAAGTTTCCCTGCAGTGTCTCTTCTAATTGGGCTAGTTGGTCAGA-3'
Protein context (NP_000072.2, residues 654-674): LQGNLCDAEL[Ser664Pro]SSLSSPSYRF

ClinVar aggregate classification (germline): Uncertain significance (1 of 4 stars; one submission).

Conditions:
Chédiak-Higashi syndrome (CHS). Also called: Chediak-Higashi Syndrome. Identifiers: Orphanet 167, MedGen C0007965, MONDO:0008963, OMIM 214500.

Allele frequency attached by ClinVar (database versions not stated): gnomAD exomes below 0.00001; gnomAD 0.00001; TOPMed 0.00001.
gnomAD v4.1: 3 of 1,613,980 alleles (0.00019%); highest among the groups gnomAD compares: Non-Finnish European, 0.00025%; no homozygotes.

Submission:

Labcorp Genetics (formerly Invitae), Labcorp
Classification: Uncertain significance for Chédiak-Higashi syndrome. Last evaluated: 2023-12-11. Review status: criteria provided, single submitter. Criteria: Invitae Variant Classification Sherloc (09022015). Collection method: clinical testing. Allele origin: germline.
Comment: This sequence change replaces serine, which is neutral and polar, with proline, which is neutral and non-polar, at codon 664 of the LYST protein (p.Ser664Pro). This variant is not present in population databases (gnomAD no frequency). This variant has not been reported in the literature in individuals affected with LYST-related conditions. ClinVar contains an entry for this variant (Variation ID: 1496067). Advanced modeling of protein sequence and biophysical properties (such as structural, functional, and spatial information, amino acid conservation, physicochemical variation, residue mobility, and thermodynamic stability) performed at Invitae indicates that this missense variant is not expected to disrupt LYST protein function with a negative predictive value of 80%. In summary, the available evidence is currently insufficient to determine the role of this variant in disease. Therefore, it has been classified as a Variant of Uncertain Significance.